The following is an entry in ClinVar:

NM_005677.4(COLQ):c.844A>T (p.Arg282Ter)

Gene: COLQ (collagen like tail subunit of asymmetric acetylcholinesterase; minus strand). Cytogenetic location: 3p25.1.
Variant type: single nucleotide variant.
Coding change: c.844A>T on transcript NM_005677.4 (MANE Select); coding-DNA position 844, A replaced by T.
Protein change: p.Arg282Ter; replaces arginine 282 with a stop codon.
Molecular consequence: nonsense.
Genome position (GRCh38, 1-based): chr3:15,458,296, T>A on the plus strand (A>T on the coding strand, the complement: COLQ is on the minus strand). VCF-style: chr3-15458296-T-A. GRCh37 (hg19) VCF-style: chr3-15499803-T-A.
Other names: c.814A>T, p.Arg272Ter (NM_080538.2); c.742A>T, p.Arg248Ter (NM_080539.4); short protein forms R282*, R248*, R272*.
Identifiers: ClinVar variation 6651 (VCV000006651.4), dbSNP rs121908922, ClinGen allele CA118393.
Genomic context (GRCh38, chr3:15,458,296, plus strand): 5'-GGTTATTCACATTCATAGTGGGTCCACAAAGACATCTTCCTGGAGGCCCGGGAAATCCTC[T>A]TTCCCCTTTGGGTCCCATTATAAGTTGTCCTAGGAAGCAACAGACTGCTGTGTTACTAGA-3'

ClinVar aggregate classification (germline): Pathogenic. Review status: criteria provided, multiple submitters, no conflicts (2 of 4 stars). 3 submissions from 3 submitters: Pathogenic (2). 1 of the submissions does not count toward it. Last evaluated 2024-04-08.

Conditions:
Congenital myasthenic syndrome 5. Identifiers: Orphanet 590, MedGen C1864233, MONDO:0011281, OMIM 603034.

Allele frequency attached by ClinVar (database versions not stated): TOPMed below 0.00001; ExAC 0.00001.
gnomAD v4.1: 12 of 1,614,210 alleles (0.00074%); highest among the groups gnomAD compares: Non-Finnish European, 0.00093%; no homozygotes.

Submissions (3):

Labcorp Genetics (formerly Invitae), Labcorp
Classification: Pathogenic for Congenital myasthenic syndrome 5. Last evaluated: 2024-04-08. Review status: criteria provided, single submitter. Criteria: Invitae Variant Classification Sherloc (09022015). Collection method: clinical testing. Allele origin: germline.
Comment: This sequence change creates a premature translational stop signal (p.Arg282*) in the COLQ gene. It is expected to result in an absent or disrupted protein product. Loss-of-function variants in COLQ are known to be pathogenic (PMID: 22678886). This variant is present in population databases (rs121908922, gnomAD 0.0009%). This premature translational stop signal has been observed in individual(s) with endplate acetylcholinesterase deficiency (PMID: 9689136). ClinVar contains an entry for this variant (Variation ID: 6651). For these reasons, this variant has been classified as Pathogenic.

Baylor Genetics
Classification: Pathogenic for Congenital myasthenic syndrome 5. Last evaluated: 2024-03-27. Review status: criteria provided, single submitter. Criteria: ACMG Guidelines, 2015. Collection method: clinical testing. Allele origin: unknown.

OMIM
Classification: Pathogenic for MYASTHENIC SYNDROME, CONGENITAL, 5. Last evaluated: 1998-08-04. Review status: no assertion criteria provided. Collection method: literature only. Allele origin: germline. Not counted in ClinVar's aggregate classification.

Literature cited by the submitters: PubMed 22678886 (cited by Labcorp Genetics (formerly Invitae), Labcorp); PubMed 9689136 (cited by Labcorp Genetics (formerly Invitae), Labcorp and OMIM).